The following is an entry in ClinVar:

ClinVar aggregate classification (germline): Likely pathogenic (1 of 4 stars; one submission).

Conditions:
Slender long bone. Identifiers: MedGen C1833144, HP:0003100.
Hyperparathyroidism. Identifiers: MedGen C0020502, MONDO:0001741, HP:0000843.
Embryonic calcium dysregulation.
Metaphyseal fractures.

Submission:

Exeter Genomics Laboratory, Royal Devon University Healthcare NHS Foundation Trust
Classification: Likely pathogenic for Slender long bone; Embryonic calcium dysregulation; Metaphyseal fractures; Hyperparathyroidism. Last evaluated: 2018-07-20. Review status: criteria provided, single submitter. Criteria: ACMG Guidelines, 2015. Collection method: clinical testing. Allele origin: germline. Affected: yes. Observed: 1 compound heterozygote.
Comment: The p.(Gly660Arg) variant has been reported in the gnomAD database at a low frequency (5/138,451 individuals [1/27,690]). No homozygotes were reported. (PM2_Moderate). The p.(Gly660Arg) variant was detected in trans with a pathogenic nonsense variant, p.(Arg510Ter) (PM3_Moderate). The p.Gly660 residue is conserved across 19 species (to lamprey) and has a consurf score of 9. The p.(Gly660Arg) variant is predicted by SIFT, PolyPhen and AlignGVGD to have a deleterious effect on protein function (PP3_Supporting). The TRPV6 variants were identified by a gene-agnostic inheritance based strategy. Calcium homeostasis returned post-natally, indicating an embryonically active calcium channel. TRPV6 encodes a calcium channel which shows exclusive expression in the human placenta (PP4_Supporting).

Literature cited by the submitters: PubMed 30144375.

NM_018646.6(TRPV6):c.1978G>C (p.Gly660Arg)

Gene: TRPV6 (transient receptor potential cation channel subfamily V member 6; minus strand). Cytogenetic location: 7q34.
Variant type: single nucleotide variant.
Coding change: c.1978G>C on transcript NM_018646.6 (MANE Select); coding-DNA position 1978, G replaced by C.
Protein change: p.Gly660Arg; replaces glycine 660 with arginine.
Molecular consequence: missense variant.
Genome position (GRCh38, 1-based): chr7:142,872,409, C>G on the plus strand (G>C on the coding strand, the complement: TRPV6 is on the minus strand). VCF-style: chr7-142872409-C-G. GRCh37 (hg19) VCF-style: chr7-142570162-C-G.
Other names: short protein forms G660R.
Identifiers: ClinVar variation 818220 (VCV000818220.2), dbSNP rs780306040, ClinGen allele CA369627314.
Genomic context (GRCh38, chr7:142,872,409, plus strand): 5'-ACCTACCCCCGCATATCACTCACCGCAGGAACCAGCGGTCTCCCAGGCCATACTCCCGTC[C>G]GCAGATCCCGGAGCGAGGCCACAGGCAGCGAGGCAGCTTCCGCTCCAGCATCACTGTGGT-3'
Protein context (NP_061116.5, residues 650-670): RCLWPRSGIC[Gly660Arg]REYGLGDRWF